The following is an entry in ClinVar:

ClinVar aggregate classification (germline): Pathogenic. Review status: criteria provided, single submitter (1 of 4 stars). 2 submissions from 1 submitter: Pathogenic (2). Last evaluated 2016-01-01.

Conditions:
Epicanthus. Also called: Epicanthal fold. Identifiers: MedGen C0678230, OMIM 131500, HP:0000286.
Anteverted nares. Also called: Thin anteverted nares. Identifiers: MedGen C1840077, HP:0000463.
Feeding difficulties in infancy. Identifiers: MedGen C2674608, HP:0008872.
Drooling. Identifiers: MedGen C0013132, HP:0002307.
Global developmental delay (DD). Also called: Cognitive delay. Identifiers: MedGen C0557874, HP:0001263. Disease mechanism: loss of function.
Short nose. Also called: Nasal hypoplasia. Identifiers: MedGen C1854114, HP:0003196.
Stereotypic movement disorder. Also called: Stereotypies; stereotyped movement disorder. Identifiers: MedGen C0038273, MONDO:0002265.
Pitt-Hopkins syndrome (PTHS). Also called: ENCEPHALOPATHY, SEVERE EPILEPTIC, WITH AUTONOMIC DYSFUNCTION; MENTAL RETARDATION, SYNDROMAL, WITH INTERMITTENT HYPERVENTILATION. Identifiers: Orphanet 2896, MedGen C1970431, MONDO:0012589, OMIM 610954.

Submissions (2):

Centre for Mendelian Genomics, University Medical Centre Ljubljana
Classification: Pathogenic for Pitt-Hopkins syndrome. Last evaluated: 2016-01-01. Review status: criteria provided, single submitter. Criteria: ACMG Guidelines, 2015. Collection method: clinical testing. Allele origin: unknown. Affected: yes.
Comment: This variant was classified as: Pathogenic. This variant arose de novo in at least one reported proband.

Centre for Mendelian Genomics, University Medical Centre Ljubljana
Classification: Pathogenic for Anteverted nares; Drooling; Epicanthus; Feeding difficulties in infancy; Global developmental delay; Short nose; Motor stereotypies. Last evaluated: 2015-06-02. Review status: criteria provided, single submitter. Criteria: ACMG Guidelines, 2015. Collection method: clinical testing. Allele origin: unknown. Affected: yes.

NM_001083962.2(TCF4):c.500-1G>A

Gene: TCF4 (transcription factor 4; minus strand). Cytogenetic location: 18q21.2.
Variant type: single nucleotide variant.
Coding change: c.500-1G>A on transcript NM_001083962.2 (MANE Select); the canonical splice acceptor site of the intron before coding-DNA position 500, G replaced by A.
Molecular consequence: splice acceptor variant.
Genome position (GRCh38, 1-based): chr18:55,350,409, C>T on the plus strand (G>A on the coding strand, the complement: TCF4 is on the minus strand). VCF-style: chr18-55350409-C-T. GRCh37 (hg19) VCF-style: chr18-53017640-C-T.
Other names: c.500-1G>A (NM_001369567.1, NM_001243228.2, NM_001369572.1 and 5 more transcripts); c.494-1G>A (NM_001243230.2); c.497-1G>A (NM_001369569.1, NM_001369573.1, NM_001369570.1); c.425-1G>A (NM_001369585.1, NM_001369578.1, NM_001369581.1 and 3 more transcripts); c.428-1G>A (NM_001369579.1, NM_001369583.1, NM_001369575.1 and 9 more transcripts); c.374-1G>A (NM_001243231.2, NM_001348211.2); c.110-1G>A (NM_001348212.2, NM_001348213.2, NM_001243233.2 and 1 more transcripts); c.806-1G>A (NM_001243226.3); and 1 more.
Identifiers: ClinVar variation 374054 (VCV000374054.4), dbSNP rs1057518864, ClinGen allele CA16043545.
Genomic context (GRCh38, chr18:55,350,409, plus strand): 5'-CAGTACTTACTGAAGATGGCAAACCTGGAGGAACTTTTCGAACTTTCTTTGTCTGTACCT[C>T]TGAAAGAAAATGAAGATGCTTTCAGCTCCCAAATGCCCATTTTCCTAACTAAGATAGGTT-3'